The following is an entry in ClinVar:

ClinVar aggregate classification (germline): Uncertain significance (1 of 4 stars; one submission).

gnomAD v4.1: 56 of 1,613,630 alleles (0.0035%); highest among the groups gnomAD compares: East Asian, 0.11%; no homozygotes.

Submission:

Labcorp Genetics (formerly Invitae), Labcorp
Classification: Uncertain significance. Last evaluated: 2025-06-04. Review status: criteria provided, single submitter. Criteria: Invitae Variant Classification Sherloc (09022015). Collection method: clinical testing. Allele origin: germline.
Comment: This sequence change replaces leucine, which is neutral and non-polar, with proline, which is neutral and non-polar, at codon 1797 of the FBN3 protein (p.Leu1797Pro). This variant is present in population databases (rs117795519, gnomAD 0.2%), and has an allele count higher than expected for a pathogenic variant. This variant has not been reported in the literature in individuals affected with FBN3-related conditions. Invitae Evidence Modeling of protein sequence and biophysical properties (such as structural, functional, and spatial information, amino acid conservation, physicochemical variation, residue mobility, and thermodynamic stability) indicates that this missense variant is not expected to disrupt FBN3 protein function with a negative predictive value of 80%. In summary, the available evidence is currently insufficient to determine the role of this variant in disease. Therefore, it has been classified as a Variant of Uncertain Significance.

NM_032447.5(FBN3):c.5390T>C (p.Leu1797Pro)

Gene: FBN3 (fibrillin 3; minus strand). Cytogenetic location: 19p13.2.
Variant type: single nucleotide variant.
Coding change: c.5390T>C on transcript NM_032447.5 (MANE Select); coding-DNA position 5390, T replaced by C.
Protein change: p.Leu1797Pro; replaces leucine 1797 with proline.
Molecular consequence: missense variant.
Genome position (GRCh38, 1-based): chr19:8,096,904, A>G on the plus strand (T>C on the coding strand, the complement: FBN3 is on the minus strand). VCF-style: chr19-8096904-A-G. GRCh37 (hg19) VCF-style: chr19-8161788-A-G.
Other names: c.5390T>C, p.Leu1797Pro (NM_001321431.2); short protein forms L1797P.
Identifiers: ClinVar variation 4801549 (VCV004801549.1).